The following is an entry in ClinVar:

ClinVar aggregate classification (germline): Conflicting classifications of pathogenicity. Review status: criteria provided, conflicting classifications (1 of 4 stars). 3 submissions from 3 submitters: Likely pathogenic (1); Uncertain significance (2). Last evaluated 2025-11-25.

Conditions:
Colorectal cancer, hereditary nonpolyposis, type 7. Identifiers: Orphanet 144, MedGen C1858380, MONDO:0013725, OMIM 614385.
Ovarian cancer. Also called: OVARIAN CANCER, SOMATIC. Identifiers: Orphanet 213500, MedGen C1140680, MONDO:0008170, OMIM 167000.

Allele frequency attached by ClinVar (database versions not stated): ExAC 0.00001; gnomAD exomes 0.00002; gnomAD 0.00003.
gnomAD v4.1: 26 of 1,561,202 alleles (0.0017%); highest among the groups gnomAD compares: East Asian, 0.0024%; no homozygotes.

Submissions (3):

Ambry Genetics
Classification: Uncertain significance. Last evaluated: 2025-11-25. Review status: criteria provided, single submitter. Criteria: Ambry Variant Classification Scheme 2023. Collection method: clinical testing. Allele origin: germline.
Comment: The p.K1183R variant (also known as c.3548A>G), located in coding exon 4 of the MLH3 gene, results from an A to G substitution at nucleotide position 3548. The lysine at codon 1183 is replaced by arginine, an amino acid with highly similar properties. This amino acid position is conserved. In addition, the in silico prediction for this alteration is inconclusive. Since supporting evidence is limited at this time, the clinical significance of this alteration remains unclear.

Labcorp Genetics (formerly Invitae), Labcorp
Classification: Uncertain significance for Colorectal cancer, hereditary nonpolyposis, type 7. Last evaluated: 2022-03-31. Review status: criteria provided, single submitter. Criteria: Invitae Variant Classification Sherloc (09022015). Collection method: clinical testing. Allele origin: germline.
Comment: In summary, the available evidence is currently insufficient to determine the role of this variant in disease. Therefore, it has been classified as a Variant of Uncertain Significance. Algorithms developed to predict the effect of missense changes on protein structure and function are either unavailable or do not agree on the potential impact of this missense change (SIFT: "Tolerated"; PolyPhen-2: "Probably Damaging"; Align-GVGD: "Class C0"). This variant has not been reported in the literature in individuals affected with MLH3-related conditions. This variant is present in population databases (rs772010423, gnomAD 0.007%). This sequence change replaces lysine, which is basic and polar, with arginine, which is basic and polar, at codon 1183 of the MLH3 protein (p.Lys1183Arg).

Laboratory of Molecular Epidemiology of Birth Defects, West China Second University Hospital, Sichuan University
Classification: Likely pathogenic for Ovarian cancer. Last evaluated: 2022-01-01. Review status: criteria provided, single submitter. Criteria: ACMG Guidelines, 2015. Collection method: clinical testing. Allele origin: germline. Affected: yes.

NM_001040108.2(MLH3):c.3548A>G (p.Lys1183Arg)

Gene: MLH3 (mutL homolog 3; minus strand). Cytogenetic location: 14q24.3.
Variant type: single nucleotide variant.
Coding change: c.3548A>G on transcript NM_001040108.2 (MANE Select); coding-DNA position 3548, A replaced by G.
Protein change: p.Lys1183Arg; replaces lysine 1183 with arginine.
Molecular consequence: missense variant.
Genome position (GRCh38, 1-based): chr14:75,039,933, T>C on the plus strand (A>G on the coding strand, the complement: MLH3 is on the minus strand). VCF-style: chr14-75039933-T-C. GRCh37 (hg19) VCF-style: chr14-75506636-T-C.
Other names: c.3548A>G (NM_014381.2); c.3548A>G, p.Lys1183Arg (NM_014381.3); short protein forms K1183R.
Identifiers: ClinVar variation 1732532 (VCV001732532.10), dbSNP rs772010423, ClinGen allele CA7275458.